The following is an entry in ClinVar:

NM_004387.4(NKX2-5):c.853A>G (p.Thr285Ala)

Gene: NKX2-5 (NK2 homeobox 5; minus strand). Cytogenetic location: 5q35.1.
Variant type: single nucleotide variant.
Coding change: c.853A>G on transcript NM_004387.4 (MANE Select); coding-DNA position 853, A replaced by G.
Protein change: p.Thr285Ala; replaces threonine 285 with alanine.
Molecular consequence: missense variant. On other transcripts: 3 prime UTR variant (2).
Genome position (GRCh38, 1-based): chr5:173,232,691, T>C on the plus strand (A>G on the coding strand, the complement: NKX2-5 is on the minus strand). VCF-style: chr5-173232691-T-C. GRCh37 (hg19) VCF-style: chr5-172659694-T-C.
Other names: c.*806A>G (NM_001166175.2); c.*652A>G (NM_001166176.2); short protein forms T285A.
Identifiers: ClinVar variation 4989961 (VCV004989961.1).

ClinVar aggregate classification (germline): Uncertain significance (1 of 4 stars; one submission).

Conditions:
NKX2-5-related disorder. Also called: NKX2-5-related condition.

gnomAD v4.1: 2 of 1,610,626 alleles (0.00012%); highest among the groups gnomAD compares: African/African-American, 0.0013%; no homozygotes.

Submission:

PreventionGenetics, part of Exact Sciences
Classification: Uncertain significance for NKX2-5-related condition. Last evaluated: 2026-02-07. Review status: criteria provided, single submitter. Criteria: ACMG Guidelines, 2015. Collection method: clinical testing. Allele origin: germline.
Comment: The NKX2-5 c.853A>G variant is predicted to result in the amino acid substitution p.Thr285Ala. To our knowledge, this variant has not been reported in the literature. This variant is reported in 0.011% of alleles in individuals of African descent in gnomAD. At this time, the clinical significance of this variant is uncertain due to the absence of conclusive functional and genetic evidence.